The following is an entry in ClinVar:

ClinVar aggregate classification (germline): Benign/Likely benign. Review status: criteria provided, multiple submitters, no conflicts (2 of 4 stars). 12 submissions from 12 submitters: Benign (6); Likely benign (4). 2 of the submissions do not count toward it. Last evaluated 2026-02-02.

Conditions:
Fanconi anemia (FA). Also called: Fanconi's anemia. Identifiers: Orphanet 84, MedGen C0015625, MeSH D005199, MONDO:0019391.
Premature ovarian failure 15. Identifiers: MedGen C4748170, MONDO:0054862, OMIM 618096.

Allele frequency attached by ClinVar (database versions not stated): 1000 Genomes Project 30x 0.01249; 1000 Genomes Project 0.01298; TOPMed 0.01734; ESP Exome Variant Server 0.02068; gnomAD 0.02189 and 0.02192; gnomAD exomes 0.02498 and 0.02978; ExAC 0.02531.
gnomAD v4.1: 46,257 of 1,604,822 alleles (2.9%); highest among the groups gnomAD compares: South Asian, 3.6%; 812 homozygotes.

Submissions (12):

Labcorp Genetics (formerly Invitae), Labcorp
Classification: Benign for Fanconi anemia. Last evaluated: 2026-02-02. Review status: criteria provided, single submitter. Criteria: Invitae Variant Classification Sherloc (09022015). Collection method: clinical testing. Allele origin: germline.

Dasa
Classification: Benign. Last evaluated: 2025-10-28. Review status: criteria provided, single submitter. Criteria: DASA Assertion Criteria. Collection method: clinical testing. Allele origin: germline.
Comment: NM_020937.4(FANCM):c.3758A>G (p.Asn1253Ser) is a missense variant that results in the substitution of asparagine with serine. Population frequency is inconsistent with a disease-causing role for this variant, and observations in unaffected individuals support a benign interpretation. Computational prediction algorithms are consistent with a benign effect. Therefore, based on the currently available evidence, this variant is classified as benign.

Mayo Clinic Laboratories, Mayo Clinic
Classification: Likely benign. Last evaluated: 2025-09-22. Review status: criteria provided, single submitter. Criteria: ACMG Guidelines, 2015. Collection method: clinical testing. Allele origin: germline. Observed: 2 variant alleles.
Comment: BS1, BP4_moderate

GeneKor MSA
Classification: Benign for Fanconi anemia. Last evaluated: 2025-07-10. Review status: criteria provided, single submitter. Criteria: ACMG Guidelines, 2015. Collection method: clinical testing. Allele origin: germline.

Quest Diagnostics Nichols Institute San Juan Capistrano
Classification: Benign. Last evaluated: 2025-04-30. Review status: criteria provided, single submitter. Criteria: Quest Diagnostics criteria. Collection method: clinical testing. Allele origin: unknown.

Blueprint Genetics
Classification: Likely benign. Last evaluated: 2024-11-27. Review status: criteria provided, single submitter. Criteria: ACMG Guidelines, 2015. Collection method: clinical testing. Allele origin: germline.

KCCC/NGS Laboratory, Kuwait Cancer Control Center
Classification: Benign for Premature ovarian failure 15. Last evaluated: 2023-07-07. Review status: criteria provided, single submitter. Criteria: ACMG Guidelines, 2015. Collection method: clinical testing. Allele origin: germline. Affected: yes.

GeneDx
Classification: Likely benign. Last evaluated: 2021-02-14. Review status: criteria provided, single submitter. Criteria: GeneDx Variant Classification Process June 2021. Collection method: clinical testing. Allele origin: germline. Affected: yes.

Breakthrough Genomics
Classification: Likely benign. Review status: criteria provided, single submitter. Criteria: ACMG Guidelines, 2015. Collection method: not provided. Allele origin: germline. Inheritance: Autosomal recessive inheritance. Affected: yes.

PreventionGenetics, part of Exact Sciences
Classification: Benign. Review status: criteria provided, single submitter. Criteria: ACMG Guidelines, 2015. Collection method: clinical testing. Allele origin: germline.

Genome Diagnostics Laboratory, Amsterdam University Medical Center
Classification: Benign. Review status: no assertion criteria provided. Collection method: clinical testing. Allele origin: germline. Affected: yes. Study: VKGL Data-share Consensus. Not counted in ClinVar's aggregate classification.

Laboratory of Diagnostic Genome Analysis, Leiden University Medical Center (LUMC)
Classification: Benign. Review status: no assertion criteria provided. Collection method: clinical testing. Allele origin: germline. Affected: yes. Study: VKGL Data-share Consensus. Not counted in ClinVar's aggregate classification.

Literature cited by the submitters: PubMed 19737859 (cited by Quest Diagnostics Nichols Institute San Juan Capistrano); PubMed 29351780 (cited by Quest Diagnostics Nichols Institute San Juan Capistrano).

NM_020937.4(FANCM):c.3758A>G (p.Asn1253Ser)

Gene: FANCM (FA complementation group M; plus strand). Cytogenetic location: 14q21.2.
Variant type: single nucleotide variant.
Coding change: c.3758A>G on transcript NM_020937.4 (MANE Select); coding-DNA position 3758, A replaced by G.
Protein change: p.Asn1253Ser; replaces asparagine 1253 with serine.
Molecular consequence: missense variant.
Genome position (GRCh38, 1-based): chr14:45,176,512, A>G. VCF-style: chr14-45176512-A-G. GRCh37 (hg19) VCF-style: chr14-45645715-A-G.
Other names: p.Asn1253Ser; c.3680A>G, p.Asn1227Ser (NM_001308133.2); c.3758A>G (LRG_502t1); short protein forms N1253S, N1227S.
Identifiers: ClinVar variation 261385 (VCV000261385.26), dbSNP rs45604036, ClinGen allele CA7169567.
Genomic context (GRCh38, chr14:45,176,512, plus strand): 5'-ATTTAGGATTCTGTAGTCCAGATTCTGATGATGAAATATTGGAACATACATCAGATAGCA[A>G]TAGACCTCTAGATGATCTATATGGAAGGTATTTGGAAATTAAGGAGATAAGTGATGCAAA-3'
Protein context (NP_065988.1, residues 1243-1263): DEILEHTSDS[Asn1253Ser]RPLDDLYGRY